The following is an entry in ClinVar:

NM_024876.4(COQ8B):c.1036-3C>G

Gene: COQ8B (coenzyme Q8B; minus strand). Cytogenetic location: 19q13.2.
Variant type: single nucleotide variant.
Coding change: c.1036-3C>G on transcript NM_024876.4 (MANE Select); 3 bases into the intron before coding-DNA position 1036, C replaced by G.
Molecular consequence: intron variant.
Genome position (GRCh38, 1-based): chr19:40,700,177, G>C on the plus strand (C>G on the coding strand, the complement: COQ8B is on the minus strand). VCF-style: chr19-40700177-G-C. GRCh37 (hg19) VCF-style: chr19-41206082-G-C.
Other names: c.913-3C>G (NM_001142555.3).
Identifiers: ClinVar variation 714788 (VCV000714788.19), dbSNP rs200061712, ClinGen allele CA9450167.
Genomic context (GRCh38, chr19:40,700,177, plus strand): 5'-GCATGAATCGGAACTCAAACAGCTCCCGCAGACACAGCGTCAGGAGCTGGAAGCAAATCT[G>C]GGGTGGGGAGAATTAACAGGCATCTCAGTGTGATCTCCCTTGTGGTGCCACTGCTGGCCT-3'

ClinVar aggregate classification (germline): Conflicting classifications of pathogenicity. Review status: criteria provided, conflicting classifications (1 of 4 stars). 4 submissions from 4 submitters: Uncertain significance (1); Likely benign (1). 2 of the submissions do not count toward it. Last evaluated 2025-12-27.

Conditions:
COQ8B-related disorder. Also called: COQ8B-related condition.

Allele frequency attached by ClinVar (database versions not stated): gnomAD exomes 0.00014 and 0.00035; ExAC 0.00051; gnomAD 0.00175 and 0.00182; TOPMed 0.00192; ESP Exome Variant Server 0.00200; 1000 Genomes Project 30x 0.00203; 1000 Genomes Project 0.00240.

Submissions (5):

Labcorp Genetics (formerly Invitae), Labcorp
Classification: Likely benign. Last evaluated: 2025-12-27. Review status: criteria provided, single submitter. Criteria: Invitae Variant Classification Sherloc (09022015). Collection method: clinical testing. Allele origin: germline.

GeneDx
Classification: Uncertain significance. Last evaluated: 2021-12-02. Review status: criteria provided, single submitter. Criteria: GeneDx Variant Classification Process June 2021. Collection method: clinical testing. Allele origin: germline. Affected: yes.
Comment: Has not been previously published as pathogenic or benign to our knowledge; In silico analysis supports a deleterious effect on splicing; This variant is associated with the following publications: (PMID: 27535533)

Genetic Services Laboratory, University of Chicago
Classification: Uncertain significance. Last evaluated: 2022-08-23. Review status: no assertion criteria provided. Collection method: clinical testing. Allele origin: germline. Affected: no. Not counted in ClinVar's aggregate classification.
Comment: DNA sequence analysis of the COQ8B gene demonstrated a sequence change in intron 11, c.1036-3C>G. This change does not appear to have been previously described in individuals with PKD2-related disorders. This sequence change has been described in the gnomAD database with a frequency of 0.048% in the overall population (dbSNP rs200061712). In-silico splice prediction programs provide inconclusive results for this sequence change. The functional significance of this sequence change is not known at present and its contribution to this individual's disease phenotype cannot definitively be determined.

PreventionGenetics, part of Exact Sciences
Classification: Likely benign for COQ8B-related condition. Last evaluated: 2019-10-28. Review status: no assertion criteria provided. Collection method: clinical testing. Allele origin: germline. Not counted in ClinVar's aggregate classification.
Comment: This variant is classified as likely benign based on ACMG/AMP sequence variant interpretation guidelines (Richards et al. 2015 PMID: 25741868, with internal and published modifications).

Dr. Peter K. Rogan Lab, Western University
No classification provided (evidence only). Condition: Cervical cancer. Review status: no classification provided. Collection method: in vitro. Allele origin: not applicable. Functional consequence: retained intron. Not counted in ClinVar's aggregate classification.